The following is an entry in ClinVar:

NM_002474.3(MYH11):c.5399A>C (p.Lys1800Thr)

Genes: NDE1 (nudE neurodevelopment protein 1; plus strand), MYH11 (myosin heavy chain 11; minus strand). Cytogenetic location: 16p13.11.
Variant type: single nucleotide variant.
Coding change: c.5399A>C on transcript NM_002474.3 (MANE Select); coding-DNA position 5399, A replaced by C.
Protein change: p.Lys1800Thr; replaces lysine 1800 with threonine.
Molecular consequence: missense variant. On other transcripts: intron variant (2).
Genome position (GRCh38, 1-based): chr16:15,717,245, T>G on the plus strand (A>C on the coding strand, the complement: MYH11 is on the minus strand). VCF-style: chr16-15717245-T-G. GRCh37 (hg19) VCF-style: chr16-15811102-T-G.
Other names: c.5420A>C, p.Lys1807Thr (NM_001040113.2, NM_001040114.2); c.5399A>C, p.Lys1800Thr (NM_022844.3); c.948-6946T>G (NM_001143979.2, NM_017668.3); short protein forms K1800T, K1807T.
Identifiers: ClinVar variation 2895342 (VCV002895342.2), dbSNP rs1379238925, ClinGen allele CA394848977.

ClinVar aggregate classification (germline): Uncertain significance. Review status: criteria provided, multiple submitters, no conflicts (2 of 4 stars). 2 submissions from 2 submitters: Uncertain significance (2). Last evaluated 2024-03-24.

Conditions:
Aortic aneurysm, familial thoracic 4 (AAT4). Also called: AORTIC ANEURYSM/AORTIC DISSECTION AND PATENT DUCTUS ARTERIOSUS. Identifiers: MedGen C1851504, MONDO:0007568, OMIM 132900.
Familial thoracic aortic aneurysm and aortic dissection (TAAD). Also called: Thoracic aortic aneurysms and dissections. Identifiers: Orphanet 91387, MedGen C4707243, MONDO:0019625.

Allele frequency attached by ClinVar (database versions not stated): gnomAD exomes below 0.00001; TOPMed 0.00001.
gnomAD v4.1: 1 of 1,614,164 alleles (0.000062%); highest among the groups gnomAD compares: Non-Finnish European, 0.000085%; no homozygotes.

Submissions (2):

All of Us Research Program, National Institutes of Health
Classification: Uncertain significance for Familial thoracic aortic aneurysm and aortic dissection. Last evaluated: 2024-03-24. Review status: criteria provided, single submitter. Criteria: ACMG Guidelines, 2015. Collection method: clinical testing. Allele origin: germline. Inheritance: Autosomal dominant inheritance. Observed: 1 variant allele, 1 heterozygote.
Comment: This missense variant replaces lysine with threonine at codon 1807 of the MYH11 protein. Computational prediction suggests that this variant may have deleterious impact on protein structure and function (internally defined REVEL score threshold >= 0.7, PMID: 27666373). To our knowledge, functional studies have not been reported for this variant. This variant has not been reported in individuals affected with MYH11-related disorders in the literature. This variant has not been identified in the general population by the Genome Aggregation Database (gnomAD). The available evidence is insufficient to determine the role of this variant in disease conclusively. Therefore, this variant is classified as a Variant of Uncertain Significance.

This study involves interpretation of variants in research participants for the purpose of population health screening. Participant phenotype was not available at the time of variant classification. Additional details can be found in publication PMID: 35346344, PMCID: PMC8962531

Labcorp Genetics (formerly Invitae), Labcorp
Classification: Uncertain significance for Aortic aneurysm, familial thoracic 4. Last evaluated: 2023-09-15. Review status: criteria provided, single submitter. Criteria: Invitae Variant Classification Sherloc (09022015). Collection method: clinical testing. Allele origin: germline.
Comment: This variant has not been reported in the literature in individuals affected with MYH11-related conditions. In summary, the available evidence is currently insufficient to determine the role of this variant in disease. Therefore, it has been classified as a Variant of Uncertain Significance. Advanced modeling of protein sequence and biophysical properties (such as structural, functional, and spatial information, amino acid conservation, physicochemical variation, residue mobility, and thermodynamic stability) performed at Invitae indicates that this missense variant is not expected to disrupt MYH11 protein function. This variant is not present in population databases (gnomAD no frequency). This sequence change replaces lysine, which is basic and polar, with threonine, which is neutral and polar, at codon 1807 of the MYH11 protein (p.Lys1807Thr).